The following is an entry in ClinVar:

ClinVar aggregate classification (germline): Conflicting classifications of pathogenicity. Review status: criteria provided, conflicting classifications (1 of 4 stars). 2 submissions from 2 submitters: Uncertain significance (1); Likely benign (1). Last evaluated 2026-03-16.

Conditions:
Cardiovascular phenotype. Identifiers: MedGen CN230736.

Allele frequency attached by ClinVar (database versions not stated): gnomAD 0.00003 and 0.00004; TOPMed 0.00003; ExAC 0.00003; gnomAD exomes 0.00004 and 0.00002; ESP Exome Variant Server 0.00026.
gnomAD v4.1: 65 of 1,608,478 alleles (0.004%); highest among the groups gnomAD compares: Non-Finnish European, 0.0048%; no homozygotes.

Submissions (2):

Ambry Genetics
Classification: Likely benign for Cardiovascular phenotype. Last evaluated: 2026-03-16. Review status: criteria provided, single submitter. Criteria: Ambry Variant Classification Scheme 2023. Collection method: clinical testing. Allele origin: germline.

GeneDx
Classification: Uncertain significance. Last evaluated: 2023-09-07. Review status: criteria provided, single submitter. Criteria: GeneDx Variant Classification Process June 2021. Collection method: clinical testing. Allele origin: germline. Affected: yes.
Comment: Has not been previously published in association with a connective tissue disorder as pathogenic or benign to our knowledge; In silico analysis supports that this missense variant has a deleterious effect on protein structure/function; This variant is associated with the following publications: (PMID: 35982160, 35982159)

NM_001365276.2(TNXB):c.2980C>T (p.Arg994Cys)

Gene: TNXB (tenascin XB; minus strand). Cytogenetic location: 6p21.33.
Variant type: single nucleotide variant.
Coding change: c.2980C>T on transcript NM_001365276.2 (MANE Select); coding-DNA position 2980, C replaced by T.
Protein change: p.Arg994Cys; replaces arginine 994 with cysteine.
Molecular consequence: missense variant.
Genome position (GRCh38, 1-based): chr6:32,085,918, G>A on the plus strand (C>T on the coding strand, the complement: TNXB is on the minus strand). VCF-style: chr6-32085918-G-A. GRCh37 (hg19) VCF-style: chr6-32053695-G-A.
Other names: c.2980C>T, p.Arg994Cys (NM_019105.8); short protein forms R994C.
Identifiers: ClinVar variation 1343018 (VCV001343018.8), dbSNP rs201292165, ClinGen allele CA3735284.